The following is an entry in ClinVar:

NM_000088.4(COL1A1):c.2321C>T (p.Pro774Leu)

Gene: COL1A1 (collagen type I alpha 1 chain; minus strand). Cytogenetic location: 17q21.33.
Variant type: single nucleotide variant.
Coding change: c.2321C>T on transcript NM_000088.4 (MANE Select); coding-DNA position 2321, C replaced by T.
Protein change: p.Pro774Leu; replaces proline 774 with leucine.
Molecular consequence: missense variant.
Genome position (GRCh38, 1-based): chr17:50,190,839, G>A on the plus strand (C>T on the coding strand, the complement: COL1A1 is on the minus strand). VCF-style: chr17-50190839-G-A. GRCh37 (hg19) VCF-style: chr17-48268200-G-A.
Other names: short protein forms P774L.
Identifiers: ClinVar variation 2725376 (VCV002725376.4), dbSNP rs377327542, ClinGen allele CA8644873.
Genomic context (GRCh38, chr17:50,190,839, plus strand): 5'-ATGTGTTAGGGCAGAAGGTGGGGAGGCGGCCACCTCACCTTGTCACCAGGGGCACCAGCA[G>A]GGCCAGGAGGACCAATGGGGCCAGTCAGACCACGGACGCCATCTTTGCCAGGAGAGCCAT-3'
Protein context (NP_000079.2, residues 764-784): GLTGPIGPPG[Pro774Leu]AGAPGDKGES

ClinVar aggregate classification (germline): Uncertain significance. Review status: criteria provided, multiple submitters, no conflicts (2 of 4 stars). 2 submissions from 2 submitters: Uncertain significance (2). Last evaluated 2023-10-23.

Conditions:
Cardiovascular phenotype. Identifiers: MedGen CN230736.
Osteogenesis imperfecta type I (OI1). Also called: Lobstein's Disease; Lobstein disease; Classic Non-deforming Osteogenesis Imperfecta with Blue Sclerae; OI, TYPE I; OSTEOGENESIS IMPERFECTA TARDA; OSTEOGENESIS IMPERFECTA WITH BLUE SCLERAE. Identifiers: Orphanet 216796, Orphanet 666, MedGen C0023931, MONDO:0008146, OMIM 166200. Disease mechanism: loss of function.

Allele frequency attached by ClinVar (database versions not stated): gnomAD exomes below 0.00001; ExAC 0.00001; gnomAD 0.00001; ESP Exome Variant Server 0.00008.
gnomAD v4.1: 2 of 1,613,430 alleles (0.00012%); highest among the groups gnomAD compares: Non-Finnish European, 0.00017%; no homozygotes.

Submissions (2):

Labcorp Genetics (formerly Invitae), Labcorp
Classification: Uncertain significance for Osteogenesis imperfecta type I. Last evaluated: 2023-10-23. Review status: criteria provided, single submitter. Criteria: Invitae Variant Classification Sherloc (09022015). Collection method: clinical testing. Allele origin: germline.
Comment: This sequence change replaces proline, which is neutral and non-polar, with leucine, which is neutral and non-polar, at codon 774 of the COL1A1 protein (p.Pro774Leu). This variant is present in population databases (rs377327542, gnomAD 0.0009%). This variant has not been reported in the literature in individuals affected with COL1A1-related conditions. Advanced modeling of protein sequence and biophysical properties (such as structural, functional, and spatial information, amino acid conservation, physicochemical variation, residue mobility, and thermodynamic stability) performed at Invitae indicates that this missense variant is expected to disrupt COL1A1 protein function with a positive predictive value of 95%. In summary, the available evidence is currently insufficient to determine the role of this variant in disease. Therefore, it has been classified as a Variant of Uncertain Significance.

Ambry Genetics
Classification: Uncertain significance for Cardiovascular phenotype. Last evaluated: 2023-10-02. Review status: criteria provided, single submitter. Criteria: Ambry Variant Classification Scheme 2023. Collection method: clinical testing. Allele origin: germline.
Comment: The p.P774L variant (also known as c.2321C>T), located in coding exon 33 of the COL1A1 gene, results from a C to T substitution at nucleotide position 2321. The proline at codon 774 is replaced by leucine, an amino acid with similar properties. This amino acid position is highly conserved in available vertebrate species. In addition, this alteration is predicted to be deleterious by in silico analysis. Since supporting evidence is limited at this time, the clinical significance of this alteration remains unclear.